The following is an entry in ClinVar:

ClinVar aggregate classification (germline): Benign. Review status: criteria provided, multiple submitters, no conflicts (2 of 4 stars). 2 submissions from 2 submitters: Benign (2). Last evaluated 2018-06-14.

Allele frequency attached by ClinVar (database versions not stated): gnomAD exomes 0.02745; 1000 Genomes Project 0.04892; 1000 Genomes Project 30x 0.05012; gnomAD 0.05516 and 0.05850; TOPMed 0.05557.
gnomAD v4.1: 32,956 of 1,044,870 alleles (3.2%); highest among the groups gnomAD compares: African/African-American, 13%; 957 homozygotes.

Submissions (2):

GeneDx
Classification: Benign. Last evaluated: 2018-06-14. Review status: criteria provided, single submitter. Criteria: GeneDx Variant Classification (06012015). Collection method: clinical testing. Allele origin: germline. Affected: yes.
Comment: This variant is considered likely benign or benign based on one or more of the following criteria: it is a conservative change, it occurs at a poorly conserved position in the protein, it is predicted to be benign by multiple in silico algorithms, and/or has population frequency not consistent with disease.

Breakthrough Genomics
Classification: Benign. Review status: criteria provided, single submitter. Criteria: ACMG Guidelines, 2015. Collection method: not provided. Allele origin: germline. Inheritance: Autosomal recessive inheritance. Affected: yes.

NM_153240.5(NPHP3):c.824-89A>G

Genes: NPHP3 (nephrocystin 3; minus strand), NPHP3-ACAD11 (NPHP3-ACAD11 readthrough (NMD candidate); minus strand). Cytogenetic location: 3q22.1.
Variant type: single nucleotide variant.
Coding change: c.824-89A>G on transcript NM_153240.5 (MANE Select); 89 bases into the intron before coding-DNA position 824, A replaced by G.
Molecular consequence: intron variant.
Genome position (GRCh38, 1-based): chr3:132,715,307, T>C on the plus strand (A>G on the coding strand, the complement: NPHP3 is on the minus strand). VCF-style: chr3-132715307-T-C. GRCh37 (hg19) VCF-style: chr3-132434151-T-C.
Identifiers: ClinVar variation 675168 (VCV000675168.2), dbSNP rs6765919, ClinGen allele CA83606262.